The following is an entry in ClinVar:

ClinVar aggregate classification (germline): Likely benign (1 of 4 stars; one submission).

gnomAD v4.1: 2 of 1,600,432 alleles (0.00012%); highest among the groups gnomAD compares: Non-Finnish European, 0.00017%; no homozygotes.

Submission:

Mayo Clinic Laboratories, Mayo Clinic
Classification: Likely benign. Last evaluated: 2025-07-15. Review status: criteria provided, single submitter. Criteria: ACMG Guidelines, 2015. Collection method: clinical testing. Allele origin: germline. Observed: 1 variant allele.
Comment: BP4, BP7

NM_006567.5(FARS2):c.612+10G>C

Genes: FARS2 (phenylalanyl-tRNA synthetase 2, mitochondrial; plus strand), LOC126859565 (CDK7 strongly-dependent group 2 enhancer GRCh37_chr6:5368745-5369944; plus strand). Cytogenetic location: 6p25.1.
Variant type: single nucleotide variant.
Coding change: c.612+10G>C on transcript NM_006567.5 (MANE Select); 10 bases into the intron after coding-DNA position 612, G replaced by C.
Molecular consequence: intron variant.
Genome position (GRCh38, 1-based): chr6:5,369,192, G>C. VCF-style: chr6-5369192-G-C. GRCh37 (hg19) VCF-style: chr6-5369425-G-C.
Other names: p.?; c.612+10G>C (NM_001374878.1, NM_001318872.2, NM_001374877.1 and 5 more transcripts); c.-340-27441G>C (NM_001375260.1); c.-84-35350G>C (NM_001375259.1).
Identifiers: ClinVar variation 4684897 (VCV004684897.1).